The following is an entry in ClinVar:

NM_015346.4(ZFYVE26):c.2423C>G (p.Ser808Cys)

Gene: ZFYVE26 (zinc finger FYVE-type containing 26; minus strand). Cytogenetic location: 14q24.1.
Variant type: single nucleotide variant.
Coding change: c.2423C>G on transcript NM_015346.4 (MANE Select); coding-DNA position 2423, C replaced by G.
Protein change: p.Ser808Cys; replaces serine 808 with cysteine.
Molecular consequence: missense variant.
Genome position (GRCh38, 1-based): chr14:67,793,738, G>C on the plus strand (C>G on the coding strand, the complement: ZFYVE26 is on the minus strand). VCF-style: chr14-67793738-G-C. GRCh37 (hg19) VCF-style: chr14-68260455-G-C.
Other names: c.2423C>G (NM_015346.3); short protein forms S808C.
Identifiers: ClinVar variation 2150014 (VCV002150014.4), dbSNP rs199612702, ClinGen allele CA7240279.

ClinVar aggregate classification (germline): Uncertain significance. Review status: criteria provided, multiple submitters, no conflicts (2 of 4 stars). 3 submissions from 3 submitters: Uncertain significance (3). Last evaluated 2024-10-17.

Conditions:
Spastic paraplegia. Identifiers: MedGen C0037772, HP:0001258.
Inborn genetic diseases. Identifiers: MedGen C0950123, MeSH D030342.

Allele frequency attached by ClinVar (database versions not stated): gnomAD 0.00001; ExAC 0.00002; gnomAD exomes 0.00002; TOPMed 0.00002; ESP Exome Variant Server 0.00008; 1000 Genomes Project 30x 0.00016; 1000 Genomes Project 0.00020.
gnomAD v4.1: 31 of 1,613,914 alleles (0.0019%); highest among the groups gnomAD compares: Non-Finnish European, 0.0022%; no homozygotes.

Submissions (3):

Blueprint Genetics
Classification: Uncertain significance. Last evaluated: 2024-10-17. Review status: criteria provided, single submitter. Criteria: ACMG Guidelines, 2015. Collection method: clinical testing. Allele origin: germline.

Ambry Genetics
Classification: Uncertain significance for Inborn genetic diseases. Last evaluated: 2024-08-07. Review status: criteria provided, single submitter. Criteria: Ambry Variant Classification Scheme 2023. Collection method: clinical testing. Allele origin: germline.

Labcorp Genetics (formerly Invitae), Labcorp
Classification: Uncertain significance for Spastic paraplegia. Last evaluated: 2022-09-19. Review status: criteria provided, single submitter. Criteria: Invitae Variant Classification Sherloc (09022015). Collection method: clinical testing. Allele origin: germline.
Comment: This sequence change replaces serine, which is neutral and polar, with cysteine, which is neutral and slightly polar, at codon 808 of the ZFYVE26 protein (p.Ser808Cys). This variant is present in population databases (rs199612702, gnomAD 0.005%). This variant has not been reported in the literature in individuals affected with ZFYVE26-related conditions. Algorithms developed to predict the effect of missense changes on protein structure and function (SIFT, PolyPhen-2, Align-GVGD) all suggest that this variant is likely to be disruptive. In summary, the available evidence is currently insufficient to determine the role of this variant in disease. Therefore, it has been classified as a Variant of Uncertain Significance.